The following is an entry in ClinVar:

ClinVar aggregate classification (germline): Pathogenic (1 of 4 stars; one submission).

Conditions:
Familial cancer of breast. Also called: Hereditary breast cancer; BREAST CANCER, FAMILIAL; hereditary breast carcinoma. Identifiers: Orphanet 227535, MedGen C0346153, MONDO:0016419, OMIM 114480. Disease mechanism: loss of function.

Submission:

Myriad Genetics, Inc.
Classification: Pathogenic for Familial cancer of breast. Last evaluated: 2023-09-15. Review status: criteria provided, single submitter. Criteria: Myriad Autosomal Dominant, Autosomal Recessive and X-Linked Classification Criteria (2023). Collection method: clinical testing. Allele origin: unknown.
Comment: This variant is considered pathogenic. This variant creates a frameshift predicted to result in premature protein truncation.

NM_024675.4(PALB2):c.3333del (p.Pro1112fs)

Gene: PALB2 (partner and localizer of BRCA2; minus strand). Cytogenetic location: 16p12.2.
Variant type: Deletion.
Coding change: c.3333del on transcript NM_024675.4 (MANE Select); coding-DNA position 3333, one base deleted (T; older notation c.3333delT).
Protein change: p.Pro1112fs; shifts the reading frame from proline 1112.
Molecular consequence: frameshift variant. On other transcripts: intron variant (8).
Genome position (GRCh38, 1-based): chr16:23,607,881, A deleted on the plus strand (T on the coding strand, the reverse complement: PALB2 is on the minus strand). VCF-style (leftmost placement, unchanged base first): chr16-23607880-GA-G. GRCh37 (hg19) VCF-style: chr16-23619201-GA-G.
Other names: c.3273del, p.Pro1092fs (NM_001407296.1); c.3261del, p.Pro1088fs (NM_001407297.1); c.3171del, p.Pro1058fs (NM_001407298.1); c.3054del, p.Pro1019fs (NM_001407300.1); c.2448del, p.Pro817fs (NM_001407304.1, NM_001407305.1, NM_001407306.1); c.2286del, p.Pro763fs (NM_001407307.1); c.1545del, p.Pro516fs (NM_001407312.1); c.867del, p.Pro290fs (NM_001407314.1); and 6 more; short protein forms P1019fs, P1058fs, P1088fs, P1092fs, P1112fs, P290fs, P516fs, P763fs.
Identifiers: ClinVar variation 2674053 (VCV002674053.1), dbSNP rs2506213944, ClinGen allele CA2695197579.